The following is an entry in ClinVar:

ClinVar aggregate classification (germline): Likely pathogenic (1 of 4 stars; one submission).

Conditions:
STRC-related disorder. Also called: STRC-related condition.

Submission:

PreventionGenetics, part of Exact Sciences
Classification: Likely pathogenic for STRC-related condition. Last evaluated: 2026-05-01. Review status: criteria provided, single submitter. Criteria: ACMG Guidelines, 2015. Collection method: clinical testing. Allele origin: germline.
Comment: The STRC c.3889delC variant is predicted to result in a frameshift and premature protein termination (p.Leu1297Serfs*29). To our knowledge, this variant has not been reported in the literature. This variant is reported in 0.0069% of alleles in individuals of Latino descent in gnomAD. Frameshift variants in STRC are expected to be pathogenic. This variant is interpreted as likely pathogenic.

NM_153700.2(STRC):c.3889del (p.Leu1297fs)

Gene: STRC (stereocilin; minus strand). Cytogenetic location: 15q15.3.
Variant type: Deletion.
Coding change: c.3889del on transcript NM_153700.2 (MANE Select); coding-DNA position 3889, one base deleted (C; older notation c.3889delC).
Protein change: p.Leu1297fs; shifts the reading frame from leucine 1297.
Molecular consequence: frameshift variant.
Genome position (GRCh38, 1-based): chr15:43,605,305, G deleted on the plus strand (C on the coding strand, the reverse complement: STRC is on the minus strand); the first of 6 consecutive G bases (chr15:43,605,305-43,605,310); deleting any one gives the same sequence. VCF-style (leftmost placement, unchanged base first): chr15-43605304-AG-A. GRCh37 (hg19) VCF-style: chr15-43897502-AG-A.
Other names: c.3889delC (NM_153700.2); short protein forms L1297fs.
Identifiers: ClinVar variation 5001798 (VCV005001798.1).